The following is an entry in ClinVar:

ClinVar aggregate classification (germline): Uncertain significance (1 of 4 stars; one submission).

Submission:

Ambry Genetics
Classification: Uncertain significance. Last evaluated: 2021-10-07. Review status: criteria provided, single submitter. Criteria: Ambry Variant Classification Scheme 2023. Collection method: clinical testing. Allele origin: germline.
Comment: The p.S517F variant (also known as c.1550C>T), located in coding exon 14 of the A2ML1 gene, results from a C to T substitution at nucleotide position 1550. The serine at codon 517 is replaced by phenylalanine, an amino acid with highly dissimilar properties. This amino acid position is conserved. In addition, this alteration is predicted to be tolerated by in silico analysis. Since supporting evidence is limited at this time, the clinical significance of this alteration remains unclear.

NM_144670.6(A2ML1):c.1550C>T (p.Ser517Phe)

Gene: A2ML1 (alpha-2-macroglobulin like 1; plus strand). Cytogenetic location: 12p13.31.
Variant type: single nucleotide variant.
Coding change: c.1550C>T on transcript NM_144670.6 (MANE Select); coding-DNA position 1550, C replaced by T.
Protein change: p.Ser517Phe; replaces serine 517 with phenylalanine.
Molecular consequence: missense variant.
Genome position (GRCh38, 1-based): chr12:8,846,089, C>T. VCF-style: chr12-8846089-C-T. GRCh37 (hg19) VCF-style: chr12-8998685-C-T.
Other names: c.77C>T, p.Ser26Phe (NM_001282424.3); short protein forms S517F, S26F.
Identifiers: ClinVar variation 1775045 (VCV001775045.2), dbSNP rs1943674002, ClinGen allele CA383827128.